The following is an entry in ClinVar:

CM000666.1:g.161945302_162009525dup

Genes: LOC132089060 (Neanderthal introgressed variant-containing enhancer experimental_75188; plus strand), LOC132089061 (Neanderthal introgressed variant-containing enhancer experimental_75194; plus strand), LOC132089062 (Neanderthal introgressed variant-containing enhancer experimental_75287; plus strand). Cytogenetic location: 4q32.2.
Variant type: Duplication.
Identifiers: ClinVar variation 156940 (VCV000156940.2).

ClinVar aggregate classification (germline): not provided (0 of 4 stars; one submission).

Conditions:
Large for gestational age. Identifiers: MedGen C1848395, HP:0001520.

Submission:

Institute of Molecular and Cell Biology, University of Tartu
No classification provided. Condition: Large for gestational age. Review status: no classification provided. Collection method: case-control. Allele origin: unknown. Affected: yes. Study: Kasak2014.
Comment: The study aimed to determine the contribution of copy number variants in the genetic etiology of normal and complicated pregnancies. The samples represented (i) maternal blood DNA drawn from healthy pregnant women during 1st or 2nd trimester and (ii) maternal and paternal blood DNA drawn at term pregnancy cases representing normal and complicated gestations (severe preeclampsia, PE; gestational diabetes, GD; small-for-gestational age newborn, SGA; large-for-gestational age newborn, LGA). We performed CNV calling based on genome-wide genotyping dataset (Illumina HumanOmniExpress-24-v1 BeadChip) by applying three algorithms, QuantiSNP, GADA (Genome Alteration Detection Algorithm) and CNstream in parallel. The acquired CNV calls were merged with HD-CNV (Hotspot Detector for Copy Number Variants) program and only the CNVs predicted by at least two programs, were considered in subsequent analysis.

Literature cited by the submitters: PubMed 25666259.